The following is an entry in ClinVar:

ClinVar aggregate classification (germline): Pathogenic. Review status: criteria provided, multiple submitters, no conflicts (2 of 4 stars). 3 submissions from 3 submitters: Pathogenic (3). Last evaluated 2022-09-15.

Conditions:
EXT1-related disorders.
Multiple congenital exostosis (EXT). Also called: Multiple exostoses; Hereditary multiple osteochondromas; Hereditary multiple exostoses; Hereditary multiple exostosis; Multiple osteochondromas; MULTIPLE CARTILAGINOUS EXOSTOSES. Identifiers: Orphanet 321, MedGen C0015306, MONDO:0005508, HP:0002762.

Submissions (3):

Blueprint Genetics
Classification: Pathogenic for EXT1-related disorders. Last evaluated: 2022-09-15. Review status: criteria provided, single submitter. Criteria: ACMG Guidelines, 2015. Collection method: clinical testing. Allele origin: germline. Affected: yes. Observed: 1 variant allele.

Labcorp Genetics (formerly Invitae), Labcorp
Classification: Pathogenic for Multiple congenital exostosis. Last evaluated: 2018-04-14. Review status: criteria provided, single submitter. Criteria: Invitae Variant Classification Sherloc (09022015). Collection method: clinical testing. Allele origin: germline.
Comment: This sequence change creates a premature translational stop signal (p.Glu604*) in the EXT1 gene. It is expected to result in an absent or disrupted protein product. This variant is not present in population databases (ExAC no frequency). This variant has been reported in an individual affected with multiple osteochondromas (PMID: 18165274). ClinVar contains an entry for this variant (Variation ID: 488827). Loss-of-function variants in EXT1 are known to be pathogenic (PMID: 10679937, 11391482, 19810120). For these reasons, this variant has been classified as Pathogenic.

GeneDx
Classification: Pathogenic. Last evaluated: 2018-01-02. Review status: criteria provided, single submitter. Criteria: GeneDx Variant Classification (06012015). Collection method: clinical testing. Allele origin: germline. Affected: yes.
Comment: The E604X variant in the EXT1 gene has been reported previously in at least one individual with multiple exostoses (Jennes et al., 2008). This variant is predicted to cause loss of normal protein function either through protein truncation or nonsense-mediated mRNA decay. The E604X variant is not observed in large population cohorts (Lek et al., 2016). We interpret E604X as a pathogenic variant .

Literature cited by the submitters: PubMed 18165274 (cited by Labcorp Genetics (formerly Invitae), Labcorp); PubMed 10679937 (cited by Labcorp Genetics (formerly Invitae), Labcorp); PubMed 11391482 (cited by Labcorp Genetics (formerly Invitae), Labcorp); PubMed 19810120 (cited by Labcorp Genetics (formerly Invitae), Labcorp).

NM_000127.3(EXT1):c.1810G>T (p.Glu604Ter)

Gene: EXT1 (exostosin glycosyltransferase 1; minus strand). Cytogenetic location: 8q24.11.
Variant type: single nucleotide variant.
Coding change: c.1810G>T on transcript NM_000127.3 (MANE Select); coding-DNA position 1810, G replaced by T.
Protein change: p.Glu604Ter; replaces glutamic acid 604 with a stop codon.
Molecular consequence: nonsense.
Genome position (GRCh38, 1-based): chr8:117,807,290, C>A on the plus strand (G>T on the coding strand, the complement: EXT1 is on the minus strand). VCF-style: chr8-117807290-C-A. GRCh37 (hg19) VCF-style: chr8-118819529-C-A.
Other names: short protein forms E604*.
Identifiers: ClinVar variation 488827 (VCV000488827.10), dbSNP rs1554657437, ClinGen allele CA371878224.